The following is an entry in ClinVar:

ClinVar aggregate classification (germline): Uncertain significance. Review status: criteria provided, multiple submitters, no conflicts (2 of 4 stars). 2 submissions from 2 submitters: Uncertain significance (2). Last evaluated 2023-10-12.

Conditions:
UMOD-related disorder. Also called: UMOD-related condition.

Submissions (2):

PreventionGenetics, part of Exact Sciences
Classification: Uncertain significance for UMOD-related condition. Last evaluated: 2023-10-12. Review status: criteria provided, single submitter. Criteria: ACMG Guidelines, 2015. Collection method: clinical testing. Allele origin: germline.
Comment: The UMOD c.683C>G variant is predicted to result in the amino acid substitution p.Pro228Arg. To our knowledge, this variant has not been reported in the literature or in a large population database, indicating this variant is rare. At this time, the clinical significance of this variant is uncertain due to the absence of conclusive functional and genetic evidence.

Blueprint Genetics
Classification: Uncertain significance. Last evaluated: 2022-03-07. Review status: criteria provided, single submitter. Criteria: ACMG Guidelines, 2015. Collection method: clinical testing. Allele origin: germline.

NM_003361.4(UMOD):c.683C>G (p.Pro228Arg)

Gene: UMOD (uromodulin; minus strand). Cytogenetic location: 16p12.3.
Variant type: single nucleotide variant.
Coding change: c.683C>G on transcript NM_003361.4 (MANE Select); coding-DNA position 683, C replaced by G.
Protein change: p.Pro228Arg; replaces proline 228 with arginine.
Molecular consequence: missense variant. On other transcripts: non-coding transcript variant (1).
Genome position (GRCh38, 1-based): chr16:20,348,618, G>C on the plus strand (C>G on the coding strand, the complement: UMOD is on the minus strand). VCF-style: chr16-20348618-G-C. GRCh37 (hg19) VCF-style: chr16-20359940-G-C.
Other names: c.683C>G, p.Pro228Arg (NM_001008389.3, NM_001378232.1, NM_001378233.1 and 3 more transcripts); c.782C>G, p.Pro261Arg (NM_001278614.2); short protein forms P228R, P261R.
Identifiers: ClinVar variation 2633979 (VCV002633979.2), dbSNP rs1384379728, ClinGen allele CA394985111.